The following is an entry in ClinVar:

ClinVar aggregate classification (germline): Benign/Likely benign. Review status: criteria provided, multiple submitters, no conflicts (2 of 4 stars). 4 submissions from 4 submitters: Benign (1); Likely benign (2). 1 of the submissions does not count toward it. Last evaluated 2026-09-01.

Conditions:
HIVEP2-related disorder. Also called: HIVEP2-related condition.

Allele frequency attached by ClinVar (database versions not stated): gnomAD 0.00035; ESP Exome Variant Server 0.00072; TOPMed 0.00083; 1000 Genomes Project 0.00120; 1000 Genomes Project 30x 0.00141.
gnomAD v4.1: 1,239 of 1,614,218 alleles (0.077%); highest among the groups gnomAD compares: South Asian, 0.44%; 7 homozygotes.

Submissions (4):

CeGaT Center for Human Genetics Tuebingen
Classification: Likely benign. Last evaluated: 2026-09-01. Review status: criteria provided, single submitter. Criteria: CeGaT Center For Human Genetics Tuebingen Variant Classification Criteria Version 2. Collection method: clinical testing. Allele origin: germline. Affected: yes. Observed: 5 variant alleles.
Comment: HIVEP2: BP4, BP7, BS1

Labcorp Genetics (formerly Invitae), Labcorp
Classification: Benign. Last evaluated: 2026-02-03. Review status: criteria provided, single submitter. Criteria: Invitae Variant Classification Sherloc (09022015). Collection method: clinical testing. Allele origin: germline.

Blueprint Genetics
Classification: Likely benign. Last evaluated: 2024-11-19. Review status: criteria provided, single submitter. Criteria: ACMG Guidelines, 2015. Collection method: clinical testing. Allele origin: germline.

PreventionGenetics, part of Exact Sciences
Classification: Benign for HIVEP2-related condition. Last evaluated: 2021-08-30. Review status: no assertion criteria provided. Collection method: clinical testing. Allele origin: germline. Not counted in ClinVar's aggregate classification.
Comment: This variant is classified as benign based on ACMG/AMP sequence variant interpretation guidelines (Richards et al. 2015 PMID: 25741868, with internal and published modifications).

NM_006734.4(HIVEP2):c.2349A>G (p.Ser783=)

Gene: HIVEP2 (HIVEP zinc finger 2; minus strand). Cytogenetic location: 6q24.2.
Variant type: single nucleotide variant.
Coding change: c.2349A>G on transcript NM_006734.4 (MANE Select); coding-DNA position 2349, A replaced by G.
Protein change: p.Ser783=; no amino-acid change (serine 783 retained).
Molecular consequence: synonymous variant.
Genome position (GRCh38, 1-based): chr6:142,772,390, T>C on the plus strand (A>G on the coding strand, the complement: HIVEP2 is on the minus strand). VCF-style: chr6-142772390-T-C. GRCh37 (hg19) VCF-style: chr6-143093527-T-C.
Identifiers: ClinVar variation 710328 (VCV000710328.34), dbSNP rs147571754, ClinGen allele CA4028433.
Genomic context (GRCh38, chr6:142,772,390, plus strand): 5'-CTGAATCACAGAAATCACATTTCCAGGAGGTTTCCTGCCCCCTAGGTCTGACATCTTGTC[T>C]GAATCAATGGCTGAAGGTGACTCCTCTGACACAAGAGATGGACTTCCAGGCTGCAGTTGG-3'
Protein context (NP_006725.3, residues 773-793): VSEESPSAID[Ser783=]DKMSDLGGRK